The following is an entry in ClinVar:

NM_025225.3(PNPLA3):c.343G>T (p.Gly115Cys)

Gene: PNPLA3 (patatin like domain 3, 1-acylglycerol-3-phosphate O-acyltransferase; plus strand). Cytogenetic location: 22q13.31.
Variant type: single nucleotide variant.
Coding change: c.343G>T on transcript NM_025225.3 (MANE Select); coding-DNA position 343, G replaced by T.
Protein change: p.Gly115Cys; replaces glycine 115 with cysteine.
Molecular consequence: missense variant.
Genome position (GRCh38, 1-based): chr22:43,927,090, G>T. VCF-style: chr22-43927090-G-T. GRCh37 (hg19) VCF-style: chr22-44322970-G-T.
Other names: short protein forms G115C.
Identifiers: ClinVar variation 341930 (VCV000341930.6), dbSNP rs2076212, ClinGen allele CA10277881.

ClinVar aggregate classification (germline): Benign. Review status: criteria provided, multiple submitters, no conflicts (2 of 4 stars). 2 submissions from 2 submitters: Benign (2). Last evaluated 2018-01-12.

Conditions:
NAFLD1 (FLD1). Also called: FATTY LIVER DISEASE, SUSCEPTIBILITY TO, 1; Fatty liver disease, nonalcoholic 1. Identifiers: MedGen C2750440, MONDO:0021105, OMIM 613282.

Allele frequency attached by ClinVar (database versions not stated): gnomAD exomes 0.12163 and 0.12508; ExAC 0.12164; 1000 Genomes Project 30x 0.12180; 1000 Genomes Project 0.12181; TOPMed 0.13395; ESP Exome Variant Server 0.14240; gnomAD 0.13465 and 0.13518.
gnomAD v4.1: 203,395 of 1,614,018 alleles (13%); highest among the groups gnomAD compares: African/African-American, 16%; 13,319 homozygotes.

Submissions (2):

Illumina Laboratory Services, Illumina
Classification: Benign for NAFLD1. Last evaluated: 2018-01-12. Review status: criteria provided, single submitter. Criteria: ICSL Variant Classification Criteria 13 December 2019. Collection method: clinical testing. Allele origin: germline.
Comment: This variant was observed in the ICSL laboratory as part of a predisposition screen in an ostensibly healthy population. It had not been previously curated by ICSL or reported in the Human Gene Mutation Database (HGMD: prior to June 1st, 2018), and was therefore a candidate for classification through an automated scoring system. Utilizing variant allele frequency, disease prevalence and penetrance estimates, and inheritance mode, an automated score was calculated to assess if this variant is too frequent to cause the disease. Based on the score and internal cut-off values, a variant classified as benign is not then subjected to further curation. The score for this variant resulted in a classification of benign for this disease.

Breakthrough Genomics
Classification: Benign. Review status: criteria provided, single submitter. Criteria: ACMG Guidelines, 2015. Collection method: not provided. Allele origin: germline. Inheritance: Unknown mechanism. Affected: yes.